The following is an entry in ClinVar:

ClinVar aggregate classification (germline): Uncertain significance. Review status: criteria provided, multiple submitters, no conflicts (2 of 4 stars). 2 submissions from 2 submitters: Uncertain significance (2). Last evaluated 2025-07-03.

Conditions:
Familial thoracic aortic aneurysm and aortic dissection (TAAD). Also called: Thoracic aortic aneurysms and dissections. Identifiers: Orphanet 91387, MedGen C4707243, MONDO:0019625.

Submissions (2):

Ambry Genetics
Classification: Uncertain significance for Familial thoracic aortic aneurysm and aortic dissection. Last evaluated: 2025-07-03. Review status: criteria provided, single submitter. Criteria: Ambry Variant Classification Scheme 2023. Collection method: clinical testing. Allele origin: germline.
Comment: The p.E239G variant (also known as c.716A>G), located in coding exon 4 of the TGFBR1 gene, results from an A to G substitution at nucleotide position 716. The glutamic acid at codon 239 is replaced by glycine, an amino acid with similar properties. This amino acid position is highly conserved in available vertebrate species. In addition, this alteration is predicted to be deleterious by in silico analysis. Since supporting evidence is limited at this time, the clinical significance of this alteration remains unclear.

GeneDx
Classification: Uncertain significance. Last evaluated: 2023-11-06. Review status: criteria provided, single submitter. Criteria: GeneDx Variant Classification Process June 2021. Collection method: clinical testing. Allele origin: germline. Affected: yes.
Comment: Has not been previously published as pathogenic or benign to our knowledge; Not observed at significant frequency in large population cohorts (gnomAD); In silico analysis supports that this missense variant has a deleterious effect on protein structure/function

NM_004612.4(TGFBR1):c.716A>G (p.Glu239Gly)

Gene: TGFBR1 (transforming growth factor beta receptor 1; plus strand). Cytogenetic location: 9q22.33.
Variant type: single nucleotide variant.
Coding change: c.716A>G on transcript NM_004612.4 (MANE Select); coding-DNA position 716, A replaced by G.
Protein change: p.Glu239Gly; replaces glutamic acid 239 with glycine.
Molecular consequence: missense variant.
Genome position (GRCh38, 1-based): chr9:99,138,000, A>G. VCF-style: chr9-99138000-A-G. GRCh37 (hg19) VCF-style: chr9-101900282-A-G.
Other names: c.485A>G, p.Glu162Gly (NM_001130916.3); c.728A>G, p.Glu243Gly (NM_001306210.2); short protein forms E162G, E239G, E243G.
Identifiers: ClinVar variation 1307725 (VCV001307725.6), dbSNP rs2118717180, ClinGen allele CA374229777.